The following is an entry in ClinVar:

ClinVar aggregate classification (germline): Uncertain significance (1 of 4 stars; one submission).

Conditions:
Walker-Warburg congenital muscular dystrophy. Also called: Muscular dystrophy-dystroglycanopathy, type A; Walker-Warburg syndrome. Identifiers: Orphanet 899, MedGen C0265221, MONDO:0000171.
Autosomal recessive limb-girdle muscular dystrophy type 2K. Also called: MUSCULAR DYSTROPHY-DYSTROGLYCANOPATHY (LIMB-GIRDLE), TYPE C, 1; MUSCULAR DYSTROPHY, LIMB-GIRDLE, TYPE 2K. Identifiers: Orphanet 86812, MedGen C1836373, MONDO:0012248, OMIM 609308.
Muscular dystrophy-dystroglycanopathy (congenital with impaired intellectual development), type B, 1. Also called: Muscular dystrophy-dystroglycanopathy (congenital with intellectual disability), type B1; MUSCULAR DYSTROPHY, CONGENITAL, POMT1-RELATED. Identifiers: MedGen C5436962, MONDO:0013159, OMIM 613155.

Submission:

Labcorp Genetics (formerly Invitae), Labcorp
Classification: Uncertain significance for Muscular dystrophy-dystroglycanopathy (congenital with impaired intellectual development), type B, 1; Walker-Warburg congenital muscular dystrophy; Autosomal recessive limb-girdle muscular dystrophy type 2K. Last evaluated: 2021-04-22. Review status: criteria provided, single submitter. Criteria: Invitae Variant Classification Sherloc (09022015). Collection method: clinical testing. Allele origin: germline.
Comment: In summary, the available evidence is currently insufficient to determine the role of this variant in disease. Therefore, it has been classified as a Variant of Uncertain Significance. This sequence change replaces proline with leucine at codon 381 of the POMT1 protein (p.Pro381Leu). The proline residue is highly conserved and there is a moderate physicochemical difference between proline and leucine. Algorithms developed to predict the effect of missense changes on protein structure and function are either unavailable or do not agree on the potential impact of this missense change (SIFT: "Deleterious"; PolyPhen-2: "Probably Damaging"; Align-GVGD: "Class C15"). This variant has not been reported in the literature in individuals with POMT1-related conditions. This variant is not present in population databases (ExAC no frequency).

NM_001077365.2(POMT1):c.1076C>T (p.Pro359Leu)

Gene: POMT1 (protein O-mannosyltransferase 1; plus strand). Cytogenetic location: 9q34.13.
Variant type: single nucleotide variant.
Coding change: c.1076C>T on transcript NM_001077365.2 (MANE Select); coding-DNA position 1076, C replaced by T.
Protein change: p.Pro359Leu; replaces proline 359 with leucine.
Molecular consequence: missense variant. On other transcripts: non-coding transcript variant (10), intron variant (1).
Genome position (GRCh38, 1-based): chr9:131,512,130, C>T. VCF-style: chr9-131512130-C-T. GRCh37 (hg19) VCF-style: chr9-134387517-C-T.
Other names: c.914C>T, p.Pro305Leu (NM_001077366.2, NM_001353194.2); c.1076C>T, p.Pro359Leu (NM_001136113.2, NM_001374690.1); c.725C>T, p.Pro242Leu (NM_001136114.2, NM_001353195.2, NM_001374691.1 and 1 more transcripts); c.1142C>T, p.Pro381Leu (NM_001353193.2, NM_007171.4); c.986C>T, p.Pro329Leu (NM_001353196.2); c.980C>T, p.Pro327Leu (NM_001353197.2, NM_001353198.2); c.791C>T, p.Pro264Leu (NM_001353199.2); c.620C>T, p.Pro207Leu (NM_001353200.2); and 3 more; short protein forms P327L, P355L, P264L, P305L, P381L, P207L, P229L, P242L.
Identifiers: ClinVar variation 1470583 (VCV001470583.8), dbSNP rs1292313849, ClinGen allele CA375308949.